The following is an entry in ClinVar:

NM_022455.5(NSD1):c.5420C>T (p.Thr1807Ile)

Genes: NSD1 (nuclear receptor binding SET domain protein 1; plus strand), LOC126807619 (MED14-independent group 3 enhancer GRCh37_chr5:176696443-176697642; plus strand). Cytogenetic location: 5q35.3.
Variant type: single nucleotide variant.
Coding change: c.5420C>T on transcript NM_022455.5 (MANE Select); coding-DNA position 5420, C replaced by T.
Protein change: p.Thr1807Ile; replaces threonine 1807 with isoleucine.
Molecular consequence: missense variant.
Genome position (GRCh38, 1-based): chr5:177,269,718, C>T. VCF-style: chr5-177269718-C-T. GRCh37 (hg19) VCF-style: chr5-176696719-C-T.
Other names: c.4547C>T, p.Thr1516Ile (NM_001365684.2, NM_001409308.1, NM_001409309.1 and 1 more transcripts); c.5420C>T, p.Thr1807Ile (NM_001409301.1, NM_001409302.1, NM_001409303.1); c.5000C>T, p.Thr1667Ile (NM_001409304.1); c.4667C>T, p.Thr1556Ile (NM_001409305.1); c.4658C>T, p.Thr1553Ile (NM_001409306.1, NM_001409307.1); short protein forms T1807I, T1538I, T1553I, T1516I, T1667I, T1556I.
Identifiers: ClinVar variation 1508690 (VCV001508690.9), dbSNP rs759106773, ClinGen allele CA3577825.

ClinVar aggregate classification (germline): Uncertain significance. Review status: criteria provided, multiple submitters, no conflicts (2 of 4 stars). 2 submissions from 2 submitters: Uncertain significance (2). Last evaluated 2023-07-05.

Conditions:
Inborn genetic diseases. Identifiers: MedGen C0950123, MeSH D030342.

Allele frequency attached by ClinVar (database versions not stated): gnomAD exomes below 0.00001; ExAC 0.00001; gnomAD 0.00001; TOPMed 0.00001.
gnomAD v4.1: 4 of 1,613,894 alleles (0.00025%); highest among the groups gnomAD compares: Admixed American, 0.0017%; no homozygotes.

Submissions (2):

Ambry Genetics
Classification: Uncertain significance for Inborn genetic diseases. Last evaluated: 2023-07-05. Review status: criteria provided, single submitter. Criteria: Ambry Variant Classification Scheme 2023. Collection method: clinical testing. Allele origin: germline.
Comment: The c.5420C>T (p.T1807I) alteration is located in exon 16 (coding exon 15) of the NSD1 gene. This alteration results from a C to T substitution at nucleotide position 5420, causing the threonine (T) at amino acid position 1807 to be replaced by an isoleucine (I). Based on data from gnomAD, the T allele has an overall frequency of <0.001% (1/251482) total alleles studied. The highest observed frequency was 0.001% (1/113762) of European (non-Finnish) alleles. This amino acid position is highly conserved in available vertebrate species. This missense alteration is located in a region that has a low rate of benign missense variation (Lek, 2016; Firth, 2009). The in silico prediction for this alteration is inconclusive. Based on insufficient or conflicting evidence, the clinical significance of this alteration remains unclear.

Labcorp Genetics (formerly Invitae), Labcorp
Classification: Uncertain significance. Last evaluated: 2021-05-12. Review status: criteria provided, single submitter. Criteria: Invitae Variant Classification Sherloc (09022015). Collection method: clinical testing. Allele origin: germline.
Comment: In summary, the available evidence is currently insufficient to determine the role of this variant in disease. Therefore, it has been classified as a Variant of Uncertain Significance. Algorithms developed to predict the effect of missense changes on protein structure and function are either unavailable or do not agree on the potential impact of this missense change (SIFT: "Tolerated"; PolyPhen-2: "Possibly Damaging"; Align-GVGD: "Class C0"). This variant has not been reported in the literature in individuals with NSD1-related conditions. This variant is present in population databases (rs759106773, ExAC 0.001%). This sequence change replaces threonine with isoleucine at codon 1807 of the NSD1 protein (p.Thr1807Ile). The threonine residue is moderately conserved and there is a moderate physicochemical difference between threonine and isoleucine.